The following is an entry in ClinVar:

ClinVar aggregate classification (germline): Uncertain significance (1 of 4 stars; one submission).

Allele frequency attached by ClinVar (database versions not stated): gnomAD exomes below 0.00001.
gnomAD v4.1: 2 of 1,612,430 alleles (0.00012%); highest among the groups gnomAD compares: South Asian, 0.0022%; no homozygotes.

Submission:

Labcorp Genetics (formerly Invitae), Labcorp
Classification: Uncertain significance. Last evaluated: 2021-08-26. Review status: criteria provided, single submitter. Criteria: Invitae Variant Classification Sherloc (09022015). Collection method: clinical testing. Allele origin: germline.
Comment: In summary, the available evidence is currently insufficient to determine the role of this variant in disease. Therefore, it has been classified as a Variant of Uncertain Significance. This variant has not been reported in the literature in individuals affected with CEP250-related conditions. This variant is not present in population databases (ExAC no frequency). Algorithms developed to predict the effect of missense changes on protein structure and function are either unavailable or do not agree on the potential impact of this missense change (SIFT: "Not Available"; PolyPhen-2: "Benign"; Align-GVGD: "Not Available"). This sequence change replaces alanine with valine at codon 1180 of the CEP250 protein (p.Ala1180Val). The alanine residue is moderately conserved and there is a small physicochemical difference between alanine and valine.

NM_007186.6(CEP250):c.3539C>T (p.Ala1180Val)

Gene: CEP250 (centrosomal protein 250; plus strand). Cytogenetic location: 20q11.22.
Variant type: single nucleotide variant.
Coding change: c.3539C>T on transcript NM_007186.6 (MANE Select); coding-DNA position 3539, C replaced by T.
Protein change: p.Ala1180Val; replaces alanine 1180 with valine.
Molecular consequence: missense variant.
Genome position (GRCh38, 1-based): chr20:35,497,951, C>T. VCF-style: chr20-35497951-C-T. GRCh37 (hg19) VCF-style: chr20-34085780-C-T.
Other names: c.1643C>T, p.Ala548Val (NM_001318219.1); short protein forms A1180V, A548V.
Identifiers: ClinVar variation 1377677 (VCV001377677.6), dbSNP rs2147109279, ClinGen allele CA408744515.